The following is an entry in ClinVar:

ClinVar aggregate classification (germline): Uncertain significance (1 of 4 stars; one submission).

Conditions:
ALMS1-related disorder. Also called: ALMS1-related condition.

gnomAD v4.1: 2 of 1,545,632 alleles (0.00013%); highest among the groups gnomAD compares: Non-Finnish European, 0.00017%; no homozygotes.

Submission:

PreventionGenetics, part of Exact Sciences
Classification: Uncertain significance for ALMS1-related condition. Last evaluated: 2025-01-24. Review status: criteria provided, single submitter. Criteria: ACMG Guidelines, 2015. Collection method: clinical testing. Allele origin: germline.
Comment: The ALMS1 c.117C>G variant is predicted to result in the amino acid substitution p.Asp39Glu. To our knowledge, this variant has not been reported in the literature or in a large population database (gnomAD), indicating this variant is rare. At this time, the clinical significance of this variant is uncertain due to the absence of conclusive functional and genetic evidence.

NM_001378454.1(ALMS1):c.114C>G (p.Asp38Glu)

Gene: ALMS1 (ALMS1 centrosome and basal body associated protein; plus strand). Cytogenetic location: 2p13.1.
Variant type: single nucleotide variant.
Coding change: c.114C>G on transcript NM_001378454.1 (MANE Select); coding-DNA position 114, C replaced by G.
Protein change: p.Asp38Glu; replaces aspartic acid 38 with glutamic acid.
Molecular consequence: missense variant.
Genome position (GRCh38, 1-based): chr2:73,385,982, C>G. VCF-style: chr2-73385982-C-G. GRCh37 (hg19) VCF-style: chr2-73613110-C-G.
Other names: c.117C>G, p.Asp39Glu (NM_015120.4); short protein forms D38E, D39E.
Identifiers: ClinVar variation 4997621 (VCV004997621.1).